The following is an entry in ClinVar:

NM_001365951.3(KIF1B):c.5177G>T (p.Arg1726Leu)

Gene: KIF1B (kinesin family member 1B; plus strand). Cytogenetic location: 1p36.22.
Variant type: single nucleotide variant.
Coding change: c.5177G>T on transcript NM_001365951.3 (MANE Select); coding-DNA position 5177, G replaced by T.
Protein change: p.Arg1726Leu; replaces arginine 1726 with leucine.
Molecular consequence: missense variant.
Genome position (GRCh38, 1-based): chr1:10,374,934, G>T. VCF-style: chr1-10374934-G-T. GRCh37 (hg19) VCF-style: chr1-10434992-G-T.
Other names: c.5177G>T, p.Arg1726Leu (NM_001365952.1); c.5039G>T, p.Arg1680Leu (NM_015074.3); short protein forms R1680L, R1726L.
Identifiers: ClinVar variation 1744930 (VCV001744930.4), dbSNP rs778439251, ClinGen allele CA582282.

ClinVar aggregate classification (germline): Uncertain significance. Review status: criteria provided, multiple submitters, no conflicts (2 of 4 stars). 2 submissions from 2 submitters: Uncertain significance (2). Last evaluated 2026-05-05.

gnomAD v4.1: 6 of 1,614,056 alleles (0.00037%); highest among the groups gnomAD compares: Non-Finnish European, 0.00051%; no homozygotes.

Submissions (2):

Women's Health and Genetics/Laboratory Corporation of America, LabCorp
Classification: Uncertain significance. Last evaluated: 2026-05-05. Review status: criteria provided, single submitter. Criteria: LabCorp Variant Classification Summary - May 2015. Collection method: clinical testing. Allele origin: germline.
Comment: Variant summary: KIF1B c.5039G>T (p.Arg1680Leu) results in a non-conservative amino acid change in the encoded protein sequence. Algorithms developed to predict the effect of missense changes on protein structure and function all suggest that this variant is likely to be disruptive. The variant allele was found at a frequency of 8e-06 in 251488 control chromosomes. The available data on variant occurrences in the general population are insufficient to allow any conclusion about variant significance. To our knowledge, no occurrence of c.5039G>T in individuals affected with KIF1B-related conditions and no experimental evidence demonstrating its impact on protein function have been reported. ClinVar contains an entry for this variant (Variation ID: 1744930). Based on the evidence outlined above, the variant was classified as uncertain significance.

Ambry Genetics
Classification: Uncertain significance. Last evaluated: 2025-08-05. Review status: criteria provided, single submitter. Criteria: Ambry Variant Classification Scheme 2023. Collection method: clinical testing. Allele origin: germline.
Comment: The p.R1680L variant (also known as c.5039G>T), located in coding exon 44 of the KIF1B gene, results from a G to T substitution at nucleotide position 5039. The arginine at codon 1680 is replaced by leucine, an amino acid with dissimilar properties. This amino acid position is conserved. In addition, this alteration is predicted to be deleterious by in silico analysis. Since supporting evidence is limited at this time, the clinical significance of this alteration remains unclear.